The following is an entry in ClinVar:

NM_002691.4(POLD1):c.2527del (p.Leu843fs)

Gene: POLD1 (DNA polymerase delta 1, catalytic subunit; plus strand). Cytogenetic location: 19q13.33.
Variant type: Deletion.
Coding change: c.2527del on transcript NM_002691.4 (MANE Select); coding-DNA position 2527, one base deleted (C; older notation c.2527delC).
Protein change: p.Leu843fs; shifts the reading frame from leucine 843.
Molecular consequence: frameshift variant. On other transcripts: non-coding transcript variant (1).
Genome position (GRCh38, 1-based): chr19:50,414,953, C deleted; the last of 2 consecutive C bases (chr19:50,414,952-50,414,953); deleting either gives the same sequence. VCF-style (leftmost placement, unchanged base first): chr19-50414951-AC-A. GRCh37 (hg19) VCF-style: chr19-50918208-AC-A.
Other names: c.2527del, p.Leu843fs (NM_001256849.1, NM_001438212.1, NM_001438213.1); c.2605del, p.Leu869fs (NM_001308632.1); c.2455del, p.Leu819fs (NM_001438210.1, NM_001438211.1); short protein forms L819fs, L843fs, L869fs.
Identifiers: ClinVar variation 4862175 (VCV004862175.1).

ClinVar aggregate classification (germline): Uncertain significance (1 of 4 stars; one submission).

Conditions:
Hereditary cancer-predisposing syndrome. Also called: Neoplastic Syndromes, Hereditary; Tumor predisposition; Hereditary Cancer Syndrome; Hereditary neoplastic syndrome. Identifiers: Orphanet 140162, MedGen C0027672, MeSH D009386, MONDO:0015356.

Submission:

Ambry Genetics
Classification: Uncertain significance for Hereditary cancer-predisposing syndrome. Last evaluated: 2026-04-13. Review status: criteria provided, single submitter. Criteria: Ambry Variant Classification Scheme 2023. Collection method: clinical testing. Allele origin: germline.
Comment: The c.2527delC variant, located in coding exon 19 of the POLD1 gene, results from a deletion of one nucleotide at nucleotide position 2527, causing a translational frameshift with a predicted alternate stop codon (p.L843Wfs*45). This alteration is expected to result in loss of function by premature protein truncation or nonsense-mediated mRNA decay. However, loss of function has not been established as a mechanism of disease. Based on the available evidence, the clinical significance of this variant remains unclear.